The following is an entry in ClinVar:

ClinVar aggregate classification (germline): Uncertain significance (1 of 4 stars; one submission).

Conditions:
Early-infantile DEE. Also called: Early infantile epileptic encephalopathy; Early infantile epileptic encephalopathy with suppression bursts; Ohtahara syndrome. Identifiers: Orphanet 1934, MedGen C0393706, MONDO:0800491.

Submission:

Labcorp Genetics (formerly Invitae), Labcorp
Classification: Uncertain significance for Early-infantile DEE. Last evaluated: 2023-06-29. Review status: criteria provided, single submitter. Criteria: Invitae Variant Classification Sherloc (09022015). Collection method: clinical testing. Allele origin: germline.
Comment: In summary, the available evidence is currently insufficient to determine the role of this variant in disease. Therefore, it has been classified as a Variant of Uncertain Significance. This sequence change replaces glycine, which is neutral and non-polar, with valine, which is neutral and non-polar, at codon 913 of the SCN1A protein (p.Gly913Val). This variant is not present in population databases (gnomAD no frequency). This variant has not been reported in the literature in individuals affected with SCN1A-related conditions. Advanced modeling of protein sequence and biophysical properties (such as structural, functional, and spatial information, amino acid conservation, physicochemical variation, residue mobility, and thermodynamic stability) performed at Invitae indicates that this missense variant is expected to disrupt SCN1A protein function.

NM_001165963.4(SCN1A):c.2738G>T (p.Gly913Val)

Gene: SCN1A (sodium voltage-gated channel alpha subunit 1; minus strand). Cytogenetic location: 2q24.3.
Variant type: single nucleotide variant.
Coding change: c.2738G>T on transcript NM_001165963.4 (MANE Select); coding-DNA position 2738, G replaced by T.
Protein change: p.Gly913Val; replaces glycine 913 with valine.
Molecular consequence: missense variant. On other transcripts: non-coding transcript variant (1).
Genome position (GRCh38, 1-based): chr2:166,037,984, C>A on the plus strand (G>T on the coding strand, the complement: SCN1A is on the minus strand). VCF-style: chr2-166037984-C-A. GRCh37 (hg19) VCF-style: chr2-166894494-C-A.
Other names: c.2738G>T, p.Gly913Val (NM_001202435.3, NM_001353948.2); c.2705G>T, p.Gly902Val (NM_001353949.2, NM_001353950.2, NM_001353951.2 and 2 more transcripts); c.2702G>T, p.Gly901Val (NM_001353954.2, NM_001353955.2); c.2654G>T, p.Gly885Val (NM_001353957.2, NM_001165964.3, NM_001353958.2); c.2651G>T, p.Gly884Val (NM_001353960.2); c.296G>T, p.Gly99Val (NM_001353961.2); short protein forms G99V, G901V, G884V, G885V, G902V, G913V.
Identifiers: ClinVar variation 2732834 (VCV002732834.3), dbSNP rs2468098251, ClinGen allele CA349061487.